The following is an entry in ClinVar:

NM_001365999.1(SZT2):c.2530G>C (p.Val844Leu)

Gene: SZT2 (SZT2 subunit of KICSTOR complex; plus strand). Cytogenetic location: 1p34.2.
Variant type: single nucleotide variant.
Coding change: c.2530G>C on transcript NM_001365999.1 (MANE Select); coding-DNA position 2530, G replaced by C.
Protein change: p.Val844Leu; replaces valine 844 with leucine.
Molecular consequence: missense variant.
Genome position (GRCh38, 1-based): chr1:43,424,842, G>C. VCF-style: chr1-43424842-G-C. GRCh37 (hg19) VCF-style: chr1-43890513-G-C.
Other names: c.2530G>C, p.Val844Leu (NM_015284.4); short protein forms V844L.
Identifiers: ClinVar variation 933854 (VCV000933854.9), dbSNP rs1652949244, ClinGen allele CA340013468.
Genomic context (GRCh38, chr1:43,424,842, plus strand): 5'-AGAGTCCGACTTTCTGAAGGATTCCACTTCGCCTGCAGTGGGGAAGGAATCATCAACATG[G>C]TTCTGGAGCTTCCAATTCAGGTACGTGCCATCCCCCATGACACCTCCCTGCCAAGGTCTG-3'
Protein context (NP_001352928.1, residues 834-854): ACSGEGIINM[Val844Leu]LELPIQNEPP

ClinVar aggregate classification (germline): Uncertain significance (1 of 4 stars; one submission).

Allele frequency attached by ClinVar (database versions not stated): gnomAD 0.00001.
gnomAD v4.1: 2 of 1,613,910 alleles (0.00012%); highest among the groups gnomAD compares: African/African-American, 0.0027%; no homozygotes.

Submission:

Labcorp Genetics (formerly Invitae), Labcorp
Classification: Uncertain significance. Last evaluated: 2022-03-19. Review status: criteria provided, single submitter. Criteria: Invitae Variant Classification Sherloc (09022015). Collection method: clinical testing. Allele origin: germline.
Comment: This sequence change replaces valine, which is neutral and non-polar, with leucine, which is neutral and non-polar, at codon 844 of the SZT2 protein (p.Val844Leu). ClinVar contains an entry for this variant (Variation ID: 933854). This variant is not present in population databases (gnomAD no frequency). This variant has not been reported in the literature in individuals affected with SZT2-related conditions. Algorithms developed to predict the effect of missense changes on protein structure and function (SIFT, PolyPhen-2, Align-GVGD) all suggest that this variant is likely to be tolerated. In summary, the available evidence is currently insufficient to determine the role of this variant in disease. Therefore, it has been classified as a Variant of Uncertain Significance.